The following is an entry in ClinVar:

ClinVar aggregate classification (germline): Uncertain significance. Review status: criteria provided, multiple submitters, no conflicts (2 of 4 stars). 2 submissions from 2 submitters: Uncertain significance (2). Last evaluated 2025-09-15.

Conditions:
Neuronal ceroid lipofuscinosis 1 (CLN1). Also called: CEROID LIPOFUSCINOSIS, NEURONAL, 1, VARIABLE AGE AT ONSET; PPT1-Related Neuronal Ceroid-Lipofuscinosis. Identifiers: Orphanet 228329, MedGen C1850451, MONDO:0009744, OMIM 256730.

Allele frequency attached by ClinVar (database versions not stated): gnomAD exomes below 0.00001; TOPMed below 0.00001.

Submissions (2):

Labcorp Genetics (formerly Invitae), Labcorp
Classification: Uncertain significance for Neuronal ceroid lipofuscinosis 1. Last evaluated: 2025-09-15. Review status: criteria provided, single submitter. Criteria: Invitae Variant Classification Sherloc (09022015). Collection method: clinical testing. Allele origin: germline.
Comment: This sequence change replaces aspartic acid, which is acidic and polar, with glutamic acid, which is acidic and polar, at codon 188 of the PPT1 protein (p.Asp188Glu). This variant is not present in population databases (gnomAD no frequency). This variant has not been reported in the literature in individuals affected with PPT1-related conditions. ClinVar contains an entry for this variant (Variation ID: 1408260). Invitae Evidence Modeling of protein sequence and biophysical properties (such as structural, functional, and spatial information, amino acid conservation, physicochemical variation, residue mobility, and thermodynamic stability) indicates that this missense variant is expected to disrupt PPT1 protein function with a positive predictive value of 95%. In summary, the available evidence is currently insufficient to determine the role of this variant in disease. Therefore, it has been classified as a Variant of Uncertain Significance.

Blueprint Genetics
Classification: Uncertain significance. Last evaluated: 2023-03-31. Review status: criteria provided, single submitter. Criteria: ACMG Guidelines, 2015. Collection method: clinical testing. Allele origin: germline.

NM_000310.4(PPT1):c.564C>A (p.Asp188Glu)

Gene: PPT1 (palmitoyl-protein thioesterase 1; minus strand). Cytogenetic location: 1p34.2.
Variant type: single nucleotide variant.
Coding change: c.564C>A on transcript NM_000310.4 (MANE Select); coding-DNA position 564, C replaced by A.
Protein change: p.Asp188Glu; replaces aspartic acid 188 with glutamic acid.
Molecular consequence: missense variant.
Genome position (GRCh38, 1-based): chr1:40,080,460, G>T on the plus strand (C>A on the coding strand, the complement: PPT1 is on the minus strand). VCF-style: chr1-40080460-G-T. GRCh37 (hg19) VCF-style: chr1-40546132-G-T.
Other names: c.255C>A, p.Asp85Glu (NM_001142604.2); c.564C>A, p.Asp188Glu (NM_001363695.2); short protein forms D188E, D85E.
Identifiers: ClinVar variation 1408260 (VCV001408260.7), dbSNP rs1349674706, ClinGen allele CA339847819.